The following is an entry in ClinVar:

NM_016373.4(WWOX):c.863G>A (p.Trp288Ter)

Gene: WWOX (WW domain containing oxidoreductase; plus strand). Cytogenetic location: 16q23.1.
Variant type: single nucleotide variant.
Coding change: c.863G>A on transcript NM_016373.4 (MANE Select); coding-DNA position 863, G replaced by A.
Protein change: p.Trp288Ter; replaces tryptophan 288 with a stop codon.
Molecular consequence: nonsense.
Genome position (GRCh38, 1-based): chr16:78,432,559, G>A. VCF-style: chr16-78432559-G-A. GRCh37 (hg19) VCF-style: chr16-78466456-G-A.
Other names: c.524G>A, p.Trp175Ter (NM_001291997.2); short protein forms W288*, W175*.
Identifiers: ClinVar variation 2942432 (VCV002942432.3), dbSNP rs2507630439, ClinGen allele CA396843168.
Genomic context (GRCh38, chr16:78,432,559, plus strand): 5'-TTAACGACTCCTTGGGAAAACTGGACTTCAGTCGCCTCTCTCCAACAAAAAACGACTATT[G>A]GGCGATGCTGGCTTATAACAGGTCCAAGCTCTGCAACATCCTCTTCTCCAACGAGCTGCA-3'

ClinVar aggregate classification (germline): Pathogenic (1 of 4 stars; one submission).

Conditions:
Developmental and epileptic encephalopathy, 1 (DEE1). Also called: X-linked infantile spasms; West's syndrome; Tonic spasms with clustering, arrest of psychomotor development and hypsarrhythmia on EEG; X-Linked Infantile Spasm Syndrome; OHTAHARA SYNDROME, X-LINKED; INFANTILE SPASM SYNDROME, X-LINKED 1. Identifiers: MedGen C3463992, MONDO:0010632, OMIM 308350. Disease mechanism: loss of function.
Autosomal recessive spinocerebellar ataxia 12. Also called: SPINOCEREBELLAR ATAXIA WITH MENTAL RETARDATION AND EPILEPSY. Identifiers: Orphanet 284282, MedGen C3280452, MONDO:0013687, OMIM 614322.

Submission:

Labcorp Genetics (formerly Invitae), Labcorp
Classification: Pathogenic for Developmental and epileptic encephalopathy, 1; Autosomal recessive spinocerebellar ataxia 12. Last evaluated: 2022-12-17. Review status: criteria provided, single submitter. Criteria: Invitae Variant Classification Sherloc (09022015). Collection method: clinical testing. Allele origin: germline.
Comment: This sequence change creates a premature translational stop signal (p.Trp288*) in the WWOX gene. It is expected to result in an absent or disrupted protein product. Loss-of-function variants in WWOX are known to be pathogenic (PMID: 24456803, 25411445). This variant is not present in population databases (gnomAD no frequency). This premature translational stop signal has been observed in individual(s) with developmental and epileptic encephalopathy (PMID: 35701389). For these reasons, this variant has been classified as Pathogenic.

Literature cited by the submitters: PubMed 24456803; PubMed 25411445; PubMed 35701389.